The following is an entry in ClinVar:

NC_000023.10:g.(?_31838072)_(32519979_?)del

Gene: DMD (dystrophin; minus strand). Cytogenetic location: Xp21.1.
Variant type: Deletion.
Identifiers: ClinVar variation 2424902 (VCV002424902.5).

ClinVar aggregate classification (germline): Pathogenic (1 of 4 stars; one submission).

Conditions:
Duchenne muscular dystrophy (DMD). Also called: Duchenne Muscular Dystrophy (DMD); MUSCULAR DYSTROPHY, PSEUDOHYPERTROPHIC PROGRESSIVE, DUCHENNE TYPE. Identifiers: Orphanet 98896, MedGen C0013264, MONDO:0010679, OMIM 310200.

Submission:

Labcorp Genetics (formerly Invitae), Labcorp
Classification: Pathogenic for Duchenne muscular dystrophy. Last evaluated: 2023-11-27. Review status: criteria provided, single submitter. Criteria: Invitae Variant Classification Sherloc (09022015). Collection method: clinical testing. Allele origin: germline.
Comment: This variant is a gross deletion of the genomic region encompassing exon(s) 19-50 of the DMD gene. This deletion is out-of-frame, and is expected to create a premature termination codon and result in an absent or disrupted protein product. Loss-of-function variants in DMD are known to be pathogenic (PMID: 16770791, 25007885). This variant has not been reported in the literature in individuals affected with DMD-related conditions. For these reasons, this variant has been classified as Pathogenic.

Literature cited by the submitters: PubMed 16770791; PubMed 25007885.